The following is an entry in ClinVar:

ClinVar aggregate classification (germline): Uncertain significance (1 of 4 stars; one submission).

Submission:

GeneDx
Classification: Uncertain significance. Last evaluated: 2017-04-13. Review status: criteria provided, single submitter. Criteria: GeneDx Variant Classification (06012015). Collection method: clinical testing. Allele origin: germline. Affected: yes.
Comment: The c.1206delT variant has not been published as a pathogenic variant, nor has it been reported as a benign variant to our knowledge. The c.1206delT variant causes a frameshift starting with codon Leucine 404, changes this amino acid to a Cysteine residue and creates a premature Stop codon at position 146 of the new reading frame, denoted p.Leu404CysfsX146. This variant is predicted to cause loss of normal protein function through protein truncation, as the final 245 amino acids are replaced with 145 incorrect amino acids. The variant is not observed in large population cohorts (Lek et al., 2016; 1000 Genomes Consortium et al., 2015; Exome Variant Server). However, variants in FOXN1 are rare, with only two frameshift variants reported in the Human Gene Mutation Database in association with severe combined immunodeficiency (Stenson et al., 2014). Therefore, based on the currently available information, it is unclear whether the c.1206delT variant is a pathogenic variant or a rare benign variant.

NM_001369369.1(FOXN1):c.1206del (p.Leu404fs)

Gene: FOXN1 (forkhead box N1; plus strand). Cytogenetic location: 17q11.2.
Variant type: Deletion.
Coding change: c.1206del on transcript NM_001369369.1 (MANE Select); coding-DNA position 1206, one base deleted (T; older notation c.1206delT).
Protein change: p.Leu404fs; shifts the reading frame from leucine 404.
Molecular consequence: frameshift variant.
Genome position (GRCh38, 1-based): chr17:28,534,777, T deleted. VCF-style (leftmost placement, unchanged base first): chr17-28534776-CT-C. GRCh37 (hg19) VCF-style: chr17-26861794-CT-C.
Other names: c.1206del, p.Leu404fs (NM_003593.3); c.1206delT (NM_003593.2); short protein forms L404fs.
Identifiers: ClinVar variation 426530 (VCV000426530.2), dbSNP rs1085307670, ClinGen allele CA645294095.